The following is an entry in ClinVar:

ClinVar aggregate classification (germline): Pathogenic. Review status: reviewed by expert panel (3 of 4 stars). 3 submissions from 3 submitters: Pathogenic (1). 2 of the submissions do not count toward it. Last evaluated 2023-12-19.

Conditions:
Glanzmann thrombasthenia. Also called: PLATELET GLYCOPROTEIN IIb-IIIa DEFICIENCY; THROMBASTHENIA OF GLANZMANN AND NAEGELI; Thrombasthenia; Glanzmann's thrombasthenia. Identifiers: Orphanet 849, MedGen C0040015, MONDO:0100326.
ITGA2B-related disorder. Also called: ITGA2B-related disorders; ITGA2B-related condition.
Glanzmann thrombasthenia 1 (GT1). Also called: BLEEDING DISORDER, PLATELET-TYPE, 2; GP IIb-IIIa COMPLEX DEFICIENCY; GLYCOPROTEIN COMPLEX IIb-IIIa DEFICIENCY; PLATELET FIBRINOGEN RECEPTOR DEFICIENCY. Identifiers: MedGen CN300358, MONDO:0031332, OMIM 273800.

Submissions (3):

ClinGen Platelet Disorders Variant Curation Expert Panel, ClinGen
Classification: Pathogenic for Glanzmann thrombasthenia. Last evaluated: 2023-12-19. Review status: reviewed by expert panel. Criteria: ClinGen Platelet ACMG Specifications v2-1. Collection method: curation. Allele origin: germline. Inheritance: Autosomal recessive inheritance.
Comment: NM_000419.5(ITGA2B):c.138dup (p.Gly47TrpfsTer?) is a frameshift variant in exon 2 resulting in a premature stop codon in exon 3, of 30, which is predicted to cause NMD (PVS1). This variant is absent from population databases including gnomADv4.0 (PM2_supporting). One homozygous patient has reported with lab results consistent with type I Glanzmann Thrombasthenia (ClinVar SCV002515513.1; PM3_supporting). In summary this variant is classified as Pathogenic for Glanzmann thrombasthenia, meeting PD-VCEP specified criteria for GT: PVS1, PM2_supporting, and PM3_supporting.

Blueprint Genetics
Classification: Likely pathogenic for ITGA2B-related disorders. Last evaluated: 2020-02-10. Review status: criteria provided, single submitter. Criteria: ACMG Guidelines, 2015. Collection method: clinical testing. Allele origin: germline. Affected: yes. Observed: 3 variant alleles. Not counted in ClinVar's aggregate classification.

ISTH-SSC Genomics in Thrombosis and Hemostasis, KU Leuven, Center for Molecular and Vascular Biology
Classification: Likely pathogenic for Glanzmann thrombasthenia 1. Review status: no assertion criteria provided. Collection method: research. Allele origin: unknown. Affected: yes. Not counted in ClinVar's aggregate classification.
Comment: Submitted to GoldVariant by Dr Marie-Christine Morel-Kopp from Northern Blood Research Centre, Sydney, Australia

NM_000419.5(ITGA2B):c.138dup (p.Gly47fs)

Gene: ITGA2B (integrin subunit alpha 2b; minus strand). Cytogenetic location: 17q21.31.
Variant type: Duplication.
Coding change: c.138dup on transcript NM_000419.5 (MANE Select); coding-DNA position 138, one base duplicated (T; older notation c.138dupT).
Protein change: p.Gly47fs; shifts the reading frame from glycine 47.
Molecular consequence: frameshift variant.
Genome position (GRCh38, 1-based): chr17:44,389,336, A duplicated on the plus strand (T on the coding strand, the reverse complement: ITGA2B is on the minus strand). VCF-style (leftmost placement, unchanged base first): chr17-44389335-C-CA. GRCh37 (hg19) VCF-style: chr17-42466703-C-CA.
Other names: NM_000419.5(ITGA2B):c.138dup; p.Gly47fs; short protein forms G47fs.
Identifiers: ClinVar variation 1684324 (VCV001684324.3), dbSNP rs2143506473, ClinGen allele CA2573153942.
Genomic context (GRCh38, chr17:44,389,335, plus strand): 5'-TTACGGCTCACCTCCCATGGCTGTCCTTGTGGAAGTCCAGTGAAAATCCAAACTGGCTGC[C>CA]ATTGGGGCCTGCATAGAAGGTGAGCTGCACTGGGTCCAGGTTCAAGGCCCAGGCTGGAGG-3'